The following is an entry in ClinVar:

ClinVar aggregate classification (germline): Uncertain significance (1 of 4 stars; one submission).

Conditions:
Agammaglobulinemia 4, autosomal recessive (AGM4). Also called: AGAMMAGLOBULINEMIA, AUTOSOMAL RECESSIVE, DUE TO BLNK DEFECT; B cell linker protein deficiency. Identifiers: MedGen C3150752, MONDO:0013289, OMIM 613502.

gnomAD v4.1: 2 of 1,614,100 alleles (0.00012%); highest among the groups gnomAD compares: South Asian, 0.0011%; no homozygotes.

Submission:

Labcorp Genetics (formerly Invitae), Labcorp
Classification: Uncertain significance for Agammaglobulinemia 4, autosomal recessive. Last evaluated: 2020-03-01. Review status: criteria provided, single submitter. Criteria: Invitae Variant Classification Sherloc (09022015). Collection method: clinical testing. Allele origin: germline.
Comment: This sequence change replaces proline with serine at codon 324 of the BLNK protein (p.Pro324Ser). The proline residue is moderately conserved and there is a moderate physicochemical difference between proline and serine. This variant is not present in population databases (ExAC no frequency). This variant has not been reported in the literature in individuals with BLNK-related conditions. Algorithms developed to predict the effect of missense changes on protein structure and function (SIFT, PolyPhen-2, Align-GVGD) all suggest that this variant is likely to be tolerated, but these predictions have not been confirmed by published functional studies and their clinical significance is uncertain. In summary, the available evidence is currently insufficient to determine the role of this variant in disease. Therefore, it has been classified as a Variant of Uncertain Significance.

NM_013314.4(BLNK):c.970C>T (p.Pro324Ser)

Genes: BLNK (B cell linker; minus strand), ZNF518A (zinc finger protein 518A; plus strand). Cytogenetic location: 10q24.1.
Variant type: single nucleotide variant.
Coding change: c.970C>T on transcript NM_013314.4 (MANE Select); coding-DNA position 970, C replaced by T.
Protein change: p.Pro324Ser; replaces proline 324 with serine.
Molecular consequence: missense variant. On other transcripts: non-coding transcript variant (4).
Genome position (GRCh38, 1-based): chr10:96,201,023, G>A on the plus strand (C>T on the coding strand, the complement: BLNK is on the minus strand). VCF-style: chr10-96201023-G-A. GRCh37 (hg19) VCF-style: chr10-97960779-G-A.
Other names: c.901C>T, p.Pro301Ser (NM_001114094.2, NM_001258441.2); c.970C>T, p.Pro324Ser (NM_001258440.2); c.655C>T, p.Pro219Ser (NM_001258442.2); short protein forms P301S, P219S, P324S.
Identifiers: ClinVar variation 1044681 (VCV001044681.8), dbSNP rs2083618670, ClinGen allele CA377718535.